The following is an entry in ClinVar:

ClinVar aggregate classification (germline): Uncertain significance (1 of 4 stars; one submission).

Conditions:
Catecholaminergic polymorphic ventricular tachycardia 1. Also called: RYR2-Related Catecholaminergic Polymorphic Ventricular Tachycardia; VENTRICULAR TACHYCARDIA, CATECHOLAMINERGIC POLYMORPHIC, 1, WITH OR WITHOUT ATRIAL DYSFUNCTION AND/OR DILATED CARDIOMYOPATHY; VENTRICULAR TACHYCARDIA, STRESS-INDUCED POLYMORPHIC 1. Identifiers: Orphanet 3286, MedGen C1631597, MONDO:0011484, OMIM 604772.

Submission:

Labcorp Genetics (formerly Invitae), Labcorp
Classification: Uncertain significance for Catecholaminergic polymorphic ventricular tachycardia 1. Last evaluated: 2021-11-27. Review status: criteria provided, single submitter. Criteria: Invitae Variant Classification Sherloc (09022015). Collection method: clinical testing. Allele origin: germline.
Comment: In summary, the available evidence is currently insufficient to determine the role of this variant in disease. Therefore, it has been classified as a Variant of Uncertain Significance. Advanced modeling of protein sequence and biophysical properties (such as structural, functional, and spatial information, amino acid conservation, physicochemical variation, residue mobility, and thermodynamic stability) performed at Invitae indicates that this missense variant is not expected to disrupt RYR2 protein function. This variant has not been reported in the literature in individuals affected with RYR2-related conditions. This variant is not present in population databases (gnomAD no frequency). This sequence change replaces aspartic acid, which is acidic and polar, with glutamic acid, which is acidic and polar, at codon 997 of the RYR2 protein (p.Asp997Glu).

NM_001035.3(RYR2):c.2991C>G (p.Asp997Glu)

Gene: RYR2 (ryanodine receptor 2; plus strand). Cytogenetic location: 1q43.
Variant type: single nucleotide variant.
Coding change: c.2991C>G on transcript NM_001035.3 (MANE Select); coding-DNA position 2991, C replaced by G.
Protein change: p.Asp997Glu; replaces aspartic acid 997 with glutamic acid.
Molecular consequence: missense variant.
Genome position (GRCh38, 1-based): chr1:237,548,515, C>G. VCF-style: chr1-237548515-C-G. GRCh37 (hg19) VCF-style: chr1-237711815-C-G.
Other names: short protein forms D997E.
Identifiers: ClinVar variation 1353891 (VCV001353891.7), dbSNP rs2148090488, ClinGen allele CA345393597.